The following is an entry in ClinVar:

NM_002485.5(NBN):c.350C>G (p.Ser117Cys)

Gene: NBN (nibrin; minus strand). Cytogenetic location: 8q21.3.
Variant type: single nucleotide variant.
Coding change: c.350C>G on transcript NM_002485.5 (MANE Select); coding-DNA position 350, C replaced by G.
Protein change: p.Ser117Cys; replaces serine 117 with cysteine.
Molecular consequence: missense variant.
Genome position (GRCh38, 1-based): chr8:89,980,864, G>C on the plus strand (C>G on the coding strand, the complement: NBN is on the minus strand). VCF-style: chr8-89980864-G-C. GRCh37 (hg19) VCF-style: chr8-90993092-G-C.
Other names: c.104C>G, p.Ser35Cys (NM_001024688.3); short protein forms S117C, S35C.
Identifiers: ClinVar variation 923183 (VCV000923183.8), dbSNP rs1060503468, ClinGen allele CA371662105.
Genomic context (GRCh38, chr8:89,980,864, plus strand): 5'-CCTCCAAGTTGCAATATAGCTTGATTTAAAGCAGTTTTCCCAGAGACATCTAAACAAGAA[G>C]AGCATGCAACCAAAGGCTCATACTCTATTCTGTAAATGAGAATAAGTTAAATAAAGTCAT-3'
Protein context (NP_002476.2, residues 107-127): RIEYEPLVAC[Ser117Cys]SCLDVSGKTA

ClinVar aggregate classification (germline): Uncertain significance. Review status: criteria provided, multiple submitters, no conflicts (2 of 4 stars). 2 submissions from 2 submitters: Uncertain significance (2). Last evaluated 2025-03-30.

Conditions:
Hereditary cancer-predisposing syndrome. Also called: Hereditary Cancer Syndrome; Hereditary neoplastic syndrome; Neoplastic Syndromes, Hereditary; Tumor predisposition. Identifiers: Orphanet 140162, MedGen C0027672, MeSH D009386, MONDO:0015356.
Microcephaly, normal intelligence and immunodeficiency (NBS). Also called: Ataxia telangiectasia variant V1; IMMUNODEFICIENCY, MICROCEPHALY, AND CHROMOSOMAL INSTABILITY; SEEMANOVA SYNDROME II; Nijmegen breakage syndrome; Microcephaly with normal intelligence immunodeficiency and lymphoreticular malignancies; Nonsyndromal microcephaly autosomal recessive with normal intelligence. Identifiers: Orphanet 647, MedGen C0398791, MONDO:0009623, OMIM 251260.

gnomAD v4.1: 3 of 1,612,488 alleles (0.00019%); highest among the groups gnomAD compares: Non-Finnish European, 0.00025%; no homozygotes.

Submissions (2):

Ambry Genetics
Classification: Uncertain significance for Hereditary cancer-predisposing syndrome. Last evaluated: 2025-03-30. Review status: criteria provided, single submitter. Criteria: Ambry Variant Classification Scheme 2023. Collection method: clinical testing. Allele origin: germline.
Comment: The p.S117C variant (also known as c.350C>G), located in coding exon 4 of the NBN gene, results from a C to G substitution at nucleotide position 350. The serine at codon 117 is replaced by cysteine, an amino acid with dissimilar properties. This amino acid position is conserved. In addition, the in silico prediction for this alteration is inconclusive. Since supporting evidence is limited at this time, the clinical significance of this alteration remains unclear.

Labcorp Genetics (formerly Invitae), Labcorp
Classification: Uncertain significance for Microcephaly, normal intelligence and immunodeficiency. Last evaluated: 2022-06-19. Review status: criteria provided, single submitter. Criteria: Invitae Variant Classification Sherloc (09022015). Collection method: clinical testing. Allele origin: germline.
Comment: This sequence change replaces serine, which is neutral and polar, with cysteine, which is neutral and slightly polar, at codon 117 of the NBN protein (p.Ser117Cys). This variant is not present in population databases (gnomAD no frequency). This variant has not been reported in the literature in individuals affected with NBN-related conditions. ClinVar contains an entry for this variant (Variation ID: 923183). Algorithms developed to predict the effect of missense changes on protein structure and function are either unavailable or do not agree on the potential impact of this missense change (SIFT: "Deleterious"; PolyPhen-2: "Benign"; Align-GVGD: "Class C0"). In summary, the available evidence is currently insufficient to determine the role of this variant in disease. Therefore, it has been classified as a Variant of Uncertain Significance.